The following is an entry in ClinVar:

ClinVar aggregate classification (germline): Uncertain significance (1 of 4 stars; one submission).

Conditions:
ERBIN-related disorder. Also called: ERBIN-related condition.

Allele frequency attached by ClinVar (database versions not stated): gnomAD exomes below 0.00001; ExAC 0.00001.
gnomAD v4.1: 1 of 1,614,142 alleles (0.000062%); highest among the groups gnomAD compares: Non-Finnish European, 0.000085%; no homozygotes.

Submission:

PreventionGenetics, part of Exact Sciences
Classification: Uncertain significance for ERBIN-related condition. Last evaluated: 2023-09-12. Review status: criteria provided, single submitter. Criteria: ACMG Guidelines, 2015. Collection method: clinical testing. Allele origin: germline.
Comment: The ERBIN c.3874C>G variant is predicted to result in the amino acid substitution p.Pro1292Ala. To our knowledge, this variant has not been reported in the literature. This variant is reported in 0.00088% of alleles in individuals of European (Non-Finnish) descent in gnomAD. At this time, the clinical significance of this variant is uncertain due to the absence of conclusive functional and genetic evidence.

NM_001253697.2(ERBIN):c.3853C>G (p.Pro1285Ala)

Gene: ERBIN (erbb2 interacting protein; plus strand). Cytogenetic location: 5q12.3.
Variant type: single nucleotide variant.
Coding change: c.3853C>G on transcript NM_001253697.2 (MANE Select); coding-DNA position 3853, C replaced by G.
Protein change: p.Pro1285Ala; replaces proline 1285 with alanine.
Molecular consequence: missense variant. On other transcripts: intron variant (1).
Genome position (GRCh38, 1-based): chr5:66,075,120, C>G. VCF-style: chr5-66075120-C-G. GRCh37 (hg19) VCF-style: chr5-65370948-C-G.
Other names: c.3730C>G, p.Pro1244Ala (NM_001253698.2, NM_018695.4); c.3874C>G, p.Pro1292Ala (NM_001253699.2); c.3718C>G, p.Pro1240Ala (NM_001253701.2); c.3634-1196C>G (NM_001006600.3); short protein forms P1240A, P1244A, P1285A, P1292A.
Identifiers: ClinVar variation 2635898 (VCV002635898.1), dbSNP rs778809727, ClinGen allele CA3286742.
Genomic context (GRCh38, chr5:66,075,120, plus strand): 5'-AGGCCTCAGGCAAATTATAGTCAAATACATCACCCCCCTCAGGCATCTGTGGCAAGGCAT[C>G]CCTCTAGAGAACAACTAATTGATTACTTGATGCTGAAAGTGGCCCACCAGCCTCCATATA-3'
Protein context (NP_001240626.1, residues 1275-1295): HPPQASVARH[Pro1285Ala]SREQLIDYLM